The following is an entry in ClinVar:

NM_001943.5(DSG2):c.*1071T>C

Genes: DSG2 (desmoglein 2; plus strand), DSG2-AS1 (DSG2 antisense RNA 1; minus strand). Cytogenetic location: 18q12.1.
Variant type: single nucleotide variant.
Coding change: c.*1071T>C on transcript NM_001943.5 (MANE Select); 1071 bases downstream of the stop codon, T replaced by C.
Molecular consequence: 3 prime UTR variant.
Genome position (GRCh38, 1-based): chr18:31,547,814, T>C. VCF-style: chr18-31547814-T-C. GRCh37 (hg19) VCF-style: chr18-29127777-T-C.
Other names: c.*1071T>C (LRG_397t1).
Identifiers: ClinVar variation 326525 (VCV000326525.5), dbSNP rs183684674, ClinGen allele CA10641389.

ClinVar aggregate classification (germline): Likely benign (1 of 4 stars; one submission).

Conditions:
Arrhythmogenic right ventricular dysplasia 10. Also called: Arrhythmogenic Right Ventricular Dysplasia/Cardiomyopathy10; ARRHYTHMOGENIC RIGHT VENTRICULAR DYSPLASIA, FAMILIAL, 10; Arrhythmogenic right ventricular dysplasia/cardiomyopathy, type 10. Identifiers: MedGen C1857777, MONDO:0012434, OMIM 610193.

Allele frequency attached by ClinVar (database versions not stated): 1000 Genomes Project 0.00459; TOPMed 0.00027; 1000 Genomes Project 30x 0.00515; gnomAD 0.00012 and 0.00063.

Submission:

Illumina Laboratory Services, Illumina
Classification: Likely benign for Arrhythmogenic right ventricular dysplasia 10. Last evaluated: 2018-01-12. Review status: criteria provided, single submitter. Criteria: ICSL Variant Classification Criteria 13 December 2019. Collection method: clinical testing. Allele origin: germline.
Comment: This variant was observed in the ICSL laboratory as part of a predisposition screen in an ostensibly healthy population. It had not been previously curated by ICSL or reported in the Human Gene Mutation Database (HGMD: prior to June 1st, 2018), and was therefore a candidate for classification through an automated scoring system. Utilizing variant allele frequency, disease prevalence and penetrance estimates, and inheritance mode, an automated score was calculated to assess if this variant is too frequent to cause the disease. Based on the score and internal cut-off values, a variant classified as likely benign is not then subjected to further curation. The score for this variant resulted in a classification of likely benign for this disease.